The following is an entry in ClinVar:

NC_000011.9:g.(?_111171709)_(111959745_?)del

Genes: SDHD (succinate dehydrogenase complex subunit D; plus strand), CRYAB (crystallin alpha B; minus strand), PPP2R1B (protein phosphatase 2 scaffold subunit Abeta; minus strand), TIMM8B (translocase of inner mitochondrial membrane 8 homolog B; minus strand), HOATZ (HOATZ cilia and flagella associated protein; plus strand) and 17 more. Cytogenetic location: 11q23.1.
Variant type: Deletion.
Identifiers: ClinVar variation 2424602 (VCV002424602.4).

ClinVar aggregate classification (germline): Pathogenic (1 of 4 stars; one submission).

Conditions:
Carney-Stratakis syndrome. Also called: PARAGANGLIOMA AND GASTROINTESTINAL STROMAL TUMOR. Identifiers: Orphanet 97286, MedGen C1847319, MONDO:0011740, OMIM 606864.
Paragangliomas with sensorineural hearing loss. Identifiers: MedGen C1868633.
Cowden syndrome 3 (CWS3). Identifiers: Orphanet 201, MedGen CN166604, MONDO:0014045.
Pheochromocytoma. Also called: MAX-Related Hereditary Paraganglioma-Pheochromocytoma Syndrome. Identifiers: Orphanet 29072, MedGen C0031511, MONDO:0008233, OMIM 171300, HP:0002666.

Submission:

Labcorp Genetics (formerly Invitae), Labcorp
Classification: Pathogenic for Carney-Stratakis syndrome; Paragangliomas with sensorineural hearing loss; Pheochromocytoma; Cowden syndrome 3. Last evaluated: 2022-08-03. Review status: criteria provided, single submitter. Criteria: Invitae Variant Classification Sherloc (09022015). Collection method: clinical testing. Allele origin: germline.
Comment: This variant is a gross deletion of the genomic region encompassing exon(s) 1-3 of the SDHD gene, which includes the initiator codon. This deletion extends beyond the assayed region for this gene and therefore may encompass additional genes. It is expected to result in an absent or disrupted protein product. Loss-of-function variants in SDHD are known to be pathogenic (PMID: 19454582, 19802898). A similar copy number variant has been observed in individual(s) with head and neck paragangliomas (PMID: 22241717). For these reasons, this variant has been classified as Pathogenic.

Literature cited by the submitters: PubMed 19454582; PubMed 19802898; PubMed 22241717.